The following is an entry in ClinVar:

NM_006790.3(MYOT):c.562del (p.Arg188fs)

Genes: PKD2L2-DT (PKD2L2 divergent transcript; minus strand), MYOT (myotilin; plus strand). Cytogenetic location: 5q31.2.
Variant type: Deletion.
Coding change: c.562del on transcript NM_006790.3 (MANE Select); coding-DNA position 562, one base deleted (A; older notation c.562delA).
Protein change: p.Arg188fs; shifts the reading frame from arginine 188.
Molecular consequence: frameshift variant.
Genome position (GRCh38, 1-based): chr5:137,877,550, A deleted. VCF-style (leftmost placement, unchanged base first): chr5-137877549-CA-C. GRCh37 (hg19) VCF-style: chr5-137213238-CA-C.
Other names: c.10del, p.Arg4fs (NM_001135940.2); c.217del, p.Arg73fs (NM_001300911.2); short protein forms R4fs, R73fs, R188fs.
Identifiers: ClinVar variation 2751092 (VCV002751092.3), dbSNP rs2532004162, ClinGen allele CA2697546500.
Genomic context (GRCh38, chr5:137,877,549, plus strand): 5'-TCTAATTACTGTCTCAATAAATTCTCTAAAGCGTCTAACATATGAAGAGAAGATGGCTCG[CA>C]GATTGCTAGGACCACAGAATGCAGCTGCTGTGTTTCAAGCTCAGGATGACAGTGGTGCAC-3'

ClinVar aggregate classification (germline): Uncertain significance (1 of 4 stars; one submission).

Conditions:
Myofibrillar myopathy 3 (MFM3). Also called: Muscular dystrophy, proximal, type 1A; Autosomal dominant spheroid body myopathy. Identifiers: Orphanet 266, Orphanet 268129, MedGen C3714934, MONDO:0012215, OMIM 609200.

Submission:

Labcorp Genetics (formerly Invitae), Labcorp
Classification: Uncertain significance for Myofibrillar myopathy 3. Last evaluated: 2023-08-27. Review status: criteria provided, single submitter. Criteria: Invitae Variant Classification Sherloc (09022015). Collection method: clinical testing. Allele origin: germline.
Comment: In summary, the available evidence is currently insufficient to determine the role of this variant in disease. Therefore, it has been classified as a Variant of Uncertain Significance. This variant has not been reported in the literature in individuals affected with MYOT-related conditions. This variant is not present in population databases (gnomAD no frequency). This sequence change creates a premature translational stop signal (p.Arg188Aspfs*3) in the MYOT gene. It is expected to result in an absent or disrupted protein product. However, the current clinical and genetic evidence is not sufficient to establish whether loss-of-function variants in MYOT cause disease.